The following is an entry in ClinVar:

NM_005633.4(SOS1):c.54G>C (p.Lys18Asn)

Genes: SOS1 (SOS Ras/Rac guanine nucleotide exchange factor 1; minus strand), LOC129933535 (ATAC-STARR-seq lymphoblastoid silent region 11384; plus strand). Cytogenetic location: 2p22.1.
Variant type: single nucleotide variant.
Coding change: c.54G>C on transcript NM_005633.4 (MANE Select); coding-DNA position 54, G replaced by C.
Protein change: p.Lys18Asn; replaces lysine 18 with asparagine.
Molecular consequence: missense variant. On other transcripts: intron variant (1).
Genome position (GRCh38, 1-based): chr2:39,120,369, C>G on the plus strand (G>C on the coding strand, the complement: SOS1 is on the minus strand). VCF-style: chr2-39120369-C-G. GRCh37 (hg19) VCF-style: chr2-39347510-C-G.
Other names: c.54G>C, p.Lys18Asn (NM_001382395.1); c.66+4295G>C (NM_001382394.1); short protein forms K18N.
Identifiers: ClinVar variation 2981163 (VCV002981163.3), dbSNP rs2465606345, ClinGen allele CA346374635.

ClinVar aggregate classification (germline): Uncertain significance (1 of 4 stars; one submission).

Conditions:
RASopathy. Also called: rasopathies; Noonan spectrum disorder. Identifiers: Orphanet 536391, MedGen C5555857, MONDO:0021060.

Submission:

Labcorp Genetics (formerly Invitae), Labcorp
Classification: Uncertain significance for RASopathy. Last evaluated: 2023-10-27. Review status: criteria provided, single submitter. Criteria: Invitae Variant Classification Sherloc (09022015). Collection method: clinical testing. Allele origin: germline.
Comment: This sequence change replaces lysine, which is basic and polar, with asparagine, which is neutral and polar, at codon 18 of the SOS1 protein (p.Lys18Asn). This variant is not present in population databases (gnomAD no frequency). This variant has not been reported in the literature in individuals affected with SOS1-related conditions. Advanced modeling of protein sequence and biophysical properties (such as structural, functional, and spatial information, amino acid conservation, physicochemical variation, residue mobility, and thermodynamic stability) has been performed at Invitae for this missense variant, however the output from this modeling did not meet the statistical confidence thresholds required to predict the impact of this variant on SOS1 protein function. In summary, the available evidence is currently insufficient to determine the role of this variant in disease. Therefore, it has been classified as a Variant of Uncertain Significance.